The following is an entry in ClinVar:

NM_000047.3(ARSL):c.512A>G (p.Tyr171Cys)

Gene: ARSL (arylsulfatase L; minus strand). Cytogenetic location: Xp22.33.
Variant type: single nucleotide variant.
Coding change: c.512A>G on transcript NM_000047.3 (MANE Select); coding-DNA position 512, A replaced by G.
Protein change: p.Tyr171Cys; replaces tyrosine 171 with cysteine.
Molecular consequence: missense variant.
Genome position (GRCh38, 1-based): chrX:2,949,646, T>C on the plus strand (A>G on the coding strand, the complement: ARSL is on the minus strand). VCF-style: chrX-2949646-T-C. GRCh37 (hg19) VCF-style: chrX-2867687-T-C.
Other names: c.587A>G, p.Tyr196Cys (NM_001282628.2, NM_001369080.1); c.350A>G, p.Tyr117Cys (NM_001282631.2); c.539A>G, p.Tyr180Cys (NM_001369079.1); short protein forms Y117C, Y196C, Y171C, Y180C.
Identifiers: ClinVar variation 838161 (VCV000838161.13), dbSNP rs368359145, ClinGen allele CA10338182.
Genomic context (GRCh38, chrX:2,949,646, plus strand): 5'-ACACGCTTCTCTGAGAGTTCCCAGCGGGCGCAATCACCCATCAAGGAGAAAGGCATTCCG[T>C]AGAAATGGTCAAAGCCATGATGGAGAGGGTGGTGGCAATGATCACTGGCTGACTCACAGT-3'
Protein context (NP_000038.2, residues 161-181): HPLHHGFDHF[Tyr171Cys]GMPFSLMGDC

ClinVar aggregate classification (germline): Uncertain significance. Review status: criteria provided, multiple submitters, no conflicts (2 of 4 stars). 4 submissions from 4 submitters: Uncertain significance (4). Last evaluated 2025-09-02.

Conditions:
X-linked chondrodysplasia punctata 1 (CDPX1). Also called: CHONDRODYSPLASIA PUNCTATA, BRACHYTELEPHALANGIC; Chondrodysplasia punctata, X-linked recessive. Identifiers: Orphanet 79345, MedGen C3669395, MONDO:0010555, OMIM 302950.
Chondrodysplasia punctata, brachytelephalangic, autosomal. Also called: BRACHYTELEPHALANGIC CHONDRODYSPLASIA PUNCTATA. Identifiers: MedGen C1844853, MONDO:0011238, OMIM 602497.
Connective tissue disorder. Also called: Connective tissue disease. Identifiers: MedGen C0009782, MONDO:0003900.
Inborn genetic diseases. Identifiers: MedGen C0950123, MeSH D030342.

Allele frequency attached by ClinVar (database versions not stated): ExAC 0.00002; gnomAD exomes 0.00002 and 0.00009; TOPMed 0.00003; gnomAD 0.00004; ESP Exome Variant Server 0.00009.
gnomAD v4.1: 106 of 1,209,540 alleles (0.0088%); highest among the groups gnomAD compares: Non-Finnish European, 0.011%; no homozygotes.

Submissions (4):

Labcorp Genetics (formerly Invitae), Labcorp
Classification: Uncertain significance for Chondrodysplasia punctata, brachytelephalangic, autosomal. Last evaluated: 2025-09-02. Review status: criteria provided, single submitter. Criteria: Invitae Variant Classification Sherloc (09022015). Collection method: clinical testing. Allele origin: germline.
Comment: This sequence change replaces tyrosine, which is neutral and polar, with cysteine, which is neutral and slightly polar, at codon 171 of the ARSE protein (p.Tyr171Cys). This variant is present in population databases (rs368359145, gnomAD 0.007%). This variant has not been reported in the literature in individuals affected with ARSE-related conditions. ClinVar contains an entry for this variant (Variation ID: 838161). Invitae Evidence Modeling of protein sequence and biophysical properties (such as structural, functional, and spatial information, amino acid conservation, physicochemical variation, residue mobility, and thermodynamic stability) has been performed for this missense variant. However, the output from this modeling did not meet the statistical confidence thresholds required to predict the impact of this variant on ARSE protein function. In summary, the available evidence is currently insufficient to determine the role of this variant in disease. Therefore, it has been classified as a Variant of Uncertain Significance.

Ambry Genetics
Classification: Uncertain significance for Inborn genetic diseases. Last evaluated: 2024-03-18. Review status: criteria provided, single submitter. Criteria: Ambry Variant Classification Scheme 2023. Collection method: clinical testing. Allele origin: germline.

Genome Diagnostics Laboratory, The Hospital for Sick Children
Classification: Uncertain significance for Connective tissue disorder. Last evaluated: 2022-04-21. Review status: criteria provided, single submitter. Criteria: ACMG Guidelines, 2015. Collection method: clinical testing. Allele origin: germline.

Fulgent Genetics
Classification: Uncertain significance for X-linked chondrodysplasia punctata 1. Last evaluated: 2021-11-03. Review status: criteria provided, single submitter. Criteria: ACMG Guidelines, 2015. Collection method: clinical testing. Allele origin: unknown.